The following is an entry in ClinVar:

ClinVar aggregate classification (germline): Uncertain significance (1 of 4 stars; one submission).

Conditions:
FAM20A-related disorder. Also called: FAM20A-related condition.

Allele frequency attached by ClinVar (database versions not stated): 1000 Genomes Project 30x 0.00016; 1000 Genomes Project 0.00020.
gnomAD v4.1: 34 of 1,613,724 alleles (0.0021%); highest among the groups gnomAD compares: South Asian, 0.022%; no homozygotes.

Submission:

PreventionGenetics, part of Exact Sciences
Classification: Uncertain significance for FAM20A-related condition. Last evaluated: 2023-06-01. Review status: criteria provided, single submitter. Criteria: ACMG Guidelines, 2015. Collection method: clinical testing. Allele origin: germline.
Comment: The FAM20A c.509G>A variant is predicted to result in the amino acid substitution p.Arg170His. To our knowledge, this variant has not been reported in the literature. This variant is reported in 0.023% of alleles in individuals of South Asian descent in gnomAD. At this time, the clinical significance of this variant is uncertain due to the absence of conclusive functional and genetic evidence.

NM_017565.4(FAM20A):c.509G>A (p.Arg170His)

Gene: FAM20A (FAM20A golgi associated secretory pathway pseudokinase; minus strand). Cytogenetic location: 17q24.2.
Variant type: single nucleotide variant.
Coding change: c.509G>A on transcript NM_017565.4 (MANE Select); coding-DNA position 509, G replaced by A.
Protein change: p.Arg170His; replaces arginine 170 with histidine.
Molecular consequence: missense variant. On other transcripts: non-coding transcript variant (1).
Genome position (GRCh38, 1-based): chr17:68,555,639, C>T on the plus strand (G>A on the coding strand, the complement: FAM20A is on the minus strand). VCF-style: chr17-68555639-C-T. GRCh37 (hg19) VCF-style: chr17-66551780-C-T.
Other names: c.95G>A, p.Arg32His (NM_001243746.2); short protein forms R170H, R32H.
Identifiers: ClinVar variation 2636694 (VCV002636694.1), dbSNP rs200466905, ClinGen allele CA8730054.